The following is an entry in ClinVar:

ClinVar aggregate classification (germline): Likely benign. Review status: criteria provided, multiple submitters, no conflicts (2 of 4 stars). 4 submissions from 4 submitters: Likely benign (4). Last evaluated 2026-01-10.

Conditions:
Cardiac arrhythmia. Also called: Cardiac rhythm disease; Arrhythmia. Identifiers: MedGen C0003811, MONDO:0007263, HP:0011675.
Cardiovascular phenotype. Identifiers: MedGen CN230736.
Long QT syndrome (LQTS). Identifiers: MedGen C0023976, MeSH D008133, MONDO:0002442. Disease mechanism: loss of function. Inheritance: Various modes of inheritance.

Allele frequency attached by ClinVar (database versions not stated): ExAC 0.00001; gnomAD 0.00001; gnomAD exomes 0.00001 and 0.00002.
gnomAD v4.1: 18 of 1,613,546 alleles (0.0011%); highest among the groups gnomAD compares: African/African-American, 0.0053%; no homozygotes.

Submissions (4):

Labcorp Genetics (formerly Invitae), Labcorp
Classification: Likely benign for Long QT syndrome. Last evaluated: 2026-01-10. Review status: criteria provided, single submitter. Criteria: Invitae Variant Classification Sherloc (09022015). Collection method: clinical testing. Allele origin: germline.

CeGaT Center for Human Genetics Tuebingen
Classification: Likely benign. Last evaluated: 2024-08-01. Review status: criteria provided, single submitter. Criteria: CeGaT Center For Human Genetics Tuebingen Variant Classification Criteria Version 2. Collection method: clinical testing. Allele origin: germline. Affected: yes. Observed: 2 variant alleles.
Comment: KCNH2: BP4, BP7

Ambry Genetics
Classification: Likely benign for Cardiovascular phenotype. Last evaluated: 2023-05-18. Review status: criteria provided, single submitter. Criteria: Ambry Variant Classification Scheme 2023. Collection method: clinical testing. Allele origin: germline.

Color Diagnostics, LLC DBA Color Health
Classification: Likely benign for Arrhythmia. Last evaluated: 2018-12-03. Review status: criteria provided, single submitter. Criteria: ACMG Guidelines, 2015. Collection method: clinical testing. Allele origin: germline.

NM_000238.4(KCNH2):c.2292G>A (p.Pro764=)

Gene: KCNH2 (potassium voltage-gated channel subfamily H member 2; minus strand). Cytogenetic location: 7q36.1.
Variant type: single nucleotide variant.
Coding change: c.2292G>A on transcript NM_000238.4 (MANE Select); coding-DNA position 2292, G replaced by A.
Protein change: p.Pro764=; no amino-acid change (proline 764 retained).
Molecular consequence: synonymous variant. On other transcripts: non-coding transcript variant (2).
Genome position (GRCh38, 1-based): chr7:150,950,274, C>T on the plus strand (G>A on the coding strand, the complement: KCNH2 is on the minus strand). VCF-style: chr7-150950274-C-T. GRCh37 (hg19) VCF-style: chr7-150647362-C-T.
Other names: c.1272G>A, p.Pro424= (NM_001204798.2, NM_172057.3); c.2004G>A, p.Pro668= (NM_001406753.1, NM_001406756.1); c.2115G>A, p.Pro705= (NM_001406755.1); c.1992G>A, p.Pro664= (NM_001406757.1); c.2292G>A, p.Pro764= (NM_172056.3).
Identifiers: ClinVar variation 918789 (VCV000918789.41), dbSNP rs766291953, ClinGen allele CA031519.